The following is an entry in ClinVar:

ClinVar aggregate classification (germline): Uncertain significance (1 of 4 stars; one submission).

Submission:

GeneDx
Classification: Uncertain significance. Last evaluated: 2025-05-01. Review status: criteria provided, single submitter. Criteria: GeneDx Variant Classification Process June 2021. Collection method: clinical testing. Allele origin: germline. Affected: yes.
Comment: Not observed at significant frequency in large population cohorts (gnomAD); Nonsense variant predicted to result in protein truncation as the last 479 amino acids are lost; Has not been previously published as pathogenic or benign to our knowledge

NM_182699.4(DDX53):c.459G>A (p.Trp153Ter)

Genes: DDX53 (DEAD-box helicase 53; plus strand), PTCHD1-AS (PTCHD1 and PHEX antisense RNA; minus strand). Cytogenetic location: Xp22.11.
Variant type: single nucleotide variant.
Coding change: c.459G>A on transcript NM_182699.4 (MANE Select); coding-DNA position 459, G replaced by A.
Protein change: p.Trp153Ter; replaces tryptophan 153 with a stop codon.
Molecular consequence: nonsense.
Genome position (GRCh38, 1-based): chrX:23,000,516, G>A. VCF-style: chrX-23000516-G-A. GRCh37 (hg19) VCF-style: chrX-23018633-G-A.
Other names: short protein forms W153*.
Identifiers: ClinVar variation 4527912 (VCV004527912.1).